The following is an entry in ClinVar:

NM_000179.3(MSH6):c.3696dup (p.Lys1233Ter)

Gene: MSH6 (mutS homolog 6; plus strand). Cytogenetic location: 2p16.3.
Variant type: Duplication.
Coding change: c.3696dup on transcript NM_000179.3 (MANE Select); coding-DNA position 3696, one base duplicated (T; older notation c.3696dupT).
Protein change: p.Lys1233Ter; replaces lysine 1233 with a stop codon.
Molecular consequence: nonsense.
Genome position (GRCh38, 1-based): chr2:47,806,253, T duplicated; the last of 2 consecutive T bases (chr2:47,806,252-47,806,253); duplicating either gives the same sequence. VCF-style (leftmost placement, unchanged base first): chr2-47806251-G-GT. GRCh37 (hg19) VCF-style: chr2-48033390-G-GT.
Other names: c.3306dup, p.Lys1103Ter (NM_001281492.2); c.2790dup, p.Lys931Ter (NM_001281493.2, NM_001281494.2); c.3696dupT (NM_000179.2); short protein forms K1233*, K931*, K1103*.
Identifiers: ClinVar variation 455277 (VCV000455277.14), dbSNP rs1553333017, ClinGen allele CA658655734.

ClinVar aggregate classification (germline): Pathogenic. Review status: criteria provided, multiple submitters, no conflicts (2 of 4 stars). 3 submissions from 3 submitters: Pathogenic (3). Last evaluated 2025-11-24.

Conditions:
Hereditary nonpolyposis colorectal neoplasms. Identifiers: MedGen C0009405, MeSH D003123.
Hereditary cancer-predisposing syndrome. Also called: Hereditary Cancer Syndrome; Hereditary neoplastic syndrome; Neoplastic Syndromes, Hereditary; Tumor predisposition. Identifiers: Orphanet 140162, MedGen C0027672, MeSH D009386, MONDO:0015356.
Lynch syndrome 5 (LYNCH5). Also called: Hereditary non-polyposis colorectal cancer, type 5; Colorectal cancer, hereditary nonpolyposis, type 5. Identifiers: Orphanet 144, MedGen C1833477, MONDO:0013710, OMIM 614350. Disease mechanism: loss of function.

Submissions (3):

Labcorp Genetics (formerly Invitae), Labcorp
Classification: Pathogenic for Hereditary nonpolyposis colorectal neoplasms. Last evaluated: 2025-11-24. Review status: criteria provided, single submitter. Criteria: Invitae Variant Classification Sherloc (09022015). Collection method: clinical testing. Allele origin: germline.
Comment: This sequence change creates a premature translational stop signal (p.Lys1233*) in the MSH6 gene. It is expected to result in an absent or disrupted protein product. Loss-of-function variants in MSH6 are known to be pathogenic (PMID: 18269114, 24362816). This variant is not present in population databases (gnomAD no frequency). This premature translational stop signal has been observed in individual(s) with colon cancer (PMID: 24158095). ClinVar contains an entry for this variant (Variation ID: 455277). For these reasons, this variant has been classified as Pathogenic.

Myriad Genetics, Inc.
Classification: Pathogenic for Lynch syndrome 5. Last evaluated: 2023-08-24. Review status: criteria provided, single submitter. Criteria: Myriad Autosomal Dominant, Autosomal Recessive and X-Linked Classification Criteria (2023). Collection method: clinical testing. Allele origin: unknown.
Comment: This variant is considered pathogenic. This variant creates a termination codon and is predicted to result in premature protein truncation.

Ambry Genetics
Classification: Pathogenic for Hereditary cancer-predisposing syndrome. Last evaluated: 2021-07-16. Review status: criteria provided, single submitter. Criteria: Ambry Variant Classification Scheme 2023. Collection method: clinical testing. Allele origin: germline.
Comment: The c.3696dupT pathogenic mutation, located in coding exon 8 of the MSH6 gene, results from a duplication of T at nucleotide position 3696, causing a translational frameshift with a predicted alternate stop codon (p.K1233*). This alteration is expected to result in loss of function by premature protein truncation or nonsense-mediated mRNA decay. As such, this alteration is interpreted as a disease-causing mutation.

Literature cited by the submitters: PubMed 18269114 (cited by Labcorp Genetics (formerly Invitae), Labcorp); PubMed 24362816 (cited by Labcorp Genetics (formerly Invitae), Labcorp); PubMed 24158095 (cited by Labcorp Genetics (formerly Invitae), Labcorp).